The following is an entry in ClinVar:

NM_015021.3(ZNF292):c.436T>G (p.Cys146Gly)

Gene: ZNF292 (zinc finger protein 292; plus strand). Cytogenetic location: 6q14.3.
Variant type: single nucleotide variant.
Coding change: c.436T>G on transcript NM_015021.3 (MANE Select); coding-DNA position 436, T replaced by G.
Protein change: p.Cys146Gly; replaces cysteine 146 with glycine.
Molecular consequence: missense variant.
Genome position (GRCh38, 1-based): chr6:87,218,629, T>G. VCF-style: chr6-87218629-T-G. GRCh37 (hg19) VCF-style: chr6-87928347-T-G.
Other names: c.16T>G, p.Cys6Gly (NM_001351444.2); short protein forms C146G, C6G.
Identifiers: ClinVar variation 1809906 (VCV001809906.1), dbSNP rs2482036334, ClinGen allele CA364922439.

ClinVar aggregate classification (germline): Uncertain significance (1 of 4 stars; one submission).

Submission:

GeneDx
Classification: Uncertain significance. Last evaluated: 2022-06-28. Review status: criteria provided, single submitter. Criteria: GeneDx Variant Classification Process June 2021. Collection method: clinical testing. Allele origin: germline. Affected: yes.
Comment: Not observed at significant frequency in large population cohorts (gnomAD); In silico analysis supports that this missense variant does not alter protein structure/function; Has not been previously published as pathogenic or benign to our knowledge